The following is an entry in ClinVar:

ClinVar aggregate classification (germline): Uncertain significance (1 of 4 stars; one submission).

Allele frequency attached by ClinVar (database versions not stated): gnomAD 0.00001; gnomAD exomes 0.00002; TOPMed 0.00002.
gnomAD v4.1: 28 of 1,613,850 alleles (0.0017%); highest among the groups gnomAD compares: Non-Finnish European, 0.0023%; no homozygotes.

Submission:

GeneDx
Classification: Uncertain significance. Last evaluated: 2020-10-19. Review status: criteria provided, single submitter. Criteria: GeneDx Variant Classification Process June 2021. Collection method: clinical testing. Allele origin: germline. Affected: yes.
Comment: Not observed in large population cohorts (Lek et al., 2016); Nonsense variant predicted to result in protein truncation or nonsense mediated decay in a gene for which loss-of-function is not a known mechanism of disease; Has not been previously published as pathogenic or benign to our knowledge

NM_001256071.3(RNF213):c.11540G>A (p.Trp3847Ter)

Genes: RNF213 (ring finger protein 213; plus strand), RNF213-AS1 (RNF213 antisense RNA 1; minus strand). Cytogenetic location: 17q25.3.
Variant type: single nucleotide variant.
Coding change: c.11540G>A on transcript NM_001256071.3 (MANE Select); coding-DNA position 11540, G replaced by A.
Protein change: p.Trp3847Ter; replaces tryptophan 3847 with a stop codon.
Molecular consequence: nonsense.
Genome position (GRCh38, 1-based): chr17:80,363,286, G>A. VCF-style: chr17-80363286-G-A. GRCh37 (hg19) VCF-style: chr17-78337086-G-A.
Other names: short protein forms W3847*.
Identifiers: ClinVar variation 1318593 (VCV001318593.2), dbSNP rs1472128114, ClinGen allele CA401407987.
Genomic context (GRCh38, chr17:80,363,286, plus strand): 5'-ACTTTTCCAGAATCCTGACCATCTACCCTCAGGTTCTCCACAGCCTGATGGAAGCCCGTT[G>A]GAACCATGAGCTGGCTGGATGTGAGATGGTATGGCCCTCCTCCGCCTGCCCTGAGCAAGC-3'